The following is an entry in ClinVar:

NC_012920.1(MT-ND5):m.13507T>C

Gene: MT-ND5 (mitochondrially encoded NADH dehydrogenase 5; plus strand).
Variant type: single nucleotide variant.
Genome position: chrM-13507-T-C.
Identifiers: ClinVar variation 693565 (VCV000693565.1), dbSNP rs1603224215, ClinGen allele CA414818296.

ClinVar aggregate classification (germline): Uncertain significance (1 of 4 stars; one submission).

Conditions:
Leigh syndrome (NULS). Also called: Leigh's necrotizing encephalopathy; Leigh's disease; Leigh Syndrome (mtDNA deletion); Leigh Disease; Subacute necrotizing encephalopathy; Necrotizing encephalopathy infantile subacute of Leigh. Identifiers: Orphanet 506, MedGen C2931891, MONDO:0009723, OMIM 256000.

Submission:

Wong Mito Lab, Molecular and Human Genetics, Baylor College of Medicine
Classification: Uncertain significance for Leigh syndrome. Last evaluated: 2019-10-17. Review status: criteria provided, single submitter. Criteria: Modified ACMG Guidelines (Unpublished). Collection method: clinical testing. Allele origin: germline.
Comment: The NC_012920.1:m.13507T>C (YP_003024036.1:p.Ser391Pro) variant in MTND5 gene is interpretated to be a Uncertain Significance variant based on the modified ACMG guidelines (unpublished). This variant meets the following evidence codes: PP7